The following is an entry in ClinVar:

ClinVar aggregate classification (germline): Pathogenic (1 of 4 stars; one submission).

Conditions:
Walker-Warburg congenital muscular dystrophy. Also called: Muscular dystrophy-dystroglycanopathy, type A; Walker-Warburg syndrome. Identifiers: Orphanet 899, MedGen C0265221, MONDO:0000171.

Submission:

Labcorp Genetics (formerly Invitae), Labcorp
Classification: Pathogenic for Walker-Warburg congenital muscular dystrophy. Last evaluated: 2025-10-02. Review status: criteria provided, single submitter. Criteria: Invitae Variant Classification Sherloc (09022015). Collection method: clinical testing. Allele origin: germline.
Comment: This sequence change replaces arginine, which is basic and polar, with proline, which is neutral and non-polar, at codon 312 of the FKRP protein (p.Arg312Pro). This variant is not present in population databases (gnomAD no frequency). This missense change has been observed in individual(s) with limb-girdle muscular dystrophy (internal data). In at least one individual the data is consistent with being in trans (on the opposite chromosome) from a pathogenic variant. ClinVar contains an entry for this variant (Variation ID: 2044049). Invitae Evidence Modeling of protein sequence and biophysical properties (such as structural, functional, and spatial information, amino acid conservation, physicochemical variation, residue mobility, and thermodynamic stability) indicates that this missense variant is expected to disrupt FKRP protein function with a positive predictive value of 95%. This variant disrupts the p.Arg312 amino acid residue in FKRP. Other variant(s) that disrupt this residue have been determined to be pathogenic (PMID: 11741828, 37526466; internal data). This suggests that this residue is clinically significant, and that variants that disrupt this residue are likely to be disease-causing. For these reasons, this variant has been classified as Pathogenic.

Literature cited by the submitters: PubMed 11741828; PubMed 37526466.

NM_024301.5(FKRP):c.935G>C (p.Arg312Pro)

Gene: FKRP (fukutin related protein; plus strand). Cytogenetic location: 19q13.32.
Variant type: single nucleotide variant.
Coding change: c.935G>C on transcript NM_024301.5 (MANE Select); coding-DNA position 935, G replaced by C.
Protein change: p.Arg312Pro; replaces arginine 312 with proline.
Molecular consequence: missense variant.
Genome position (GRCh38, 1-based): chr19:46,756,385, G>C. VCF-style: chr19-46756385-G-C. GRCh37 (hg19) VCF-style: chr19-47259642-G-C.
Other names: c.935G>C, p.Arg312Pro (NM_001039885.3); short protein forms R312P.
Identifiers: ClinVar variation 2044049 (VCV002044049.4), dbSNP rs868138875, ClinGen allele CA406496317.